The following is an entry in ClinVar:

ClinVar aggregate classification (germline): Likely pathogenic (1 of 4 stars; one submission).

Allele frequency attached by ClinVar (database versions not stated): gnomAD 0.00001.

Submission:

GeneDx
Classification: Likely pathogenic. Last evaluated: 2022-05-23. Review status: criteria provided, single submitter. Criteria: GeneDx Variant Classification Process June 2021. Collection method: clinical testing. Allele origin: germline. Affected: yes.
Comment: Reported along with a pathogenic variant in the PNKP gene in a patient with ataxia in the published literature; however, segregation information was not provided (da Graa et al., 2021); Nonsense variant predicted to result in protein truncation or nonsense mediated decay in a gene for which loss of function is a known mechanism of disease; Not observed at significant frequency in large population cohorts (gnomAD); This variant is associated with the following publications: (PMID: 33956305)

NM_007254.4(PNKP):c.1366C>T (p.Gln456Ter)

Gene: PNKP (polynucleotide kinase 3'-phosphatase; minus strand). Cytogenetic location: 19q13.33.
Variant type: single nucleotide variant.
Coding change: c.1366C>T on transcript NM_007254.4 (MANE Select); coding-DNA position 1366, C replaced by T.
Protein change: p.Gln456Ter; replaces glutamine 456 with a stop codon.
Molecular consequence: nonsense.
Genome position (GRCh38, 1-based): chr19:49,861,628, G>A on the plus strand (C>T on the coding strand, the complement: PNKP is on the minus strand). VCF-style: chr19-49861628-G-A. GRCh37 (hg19) VCF-style: chr19-50364885-G-A.
Other names: short protein forms Q456*.
Identifiers: ClinVar variation 1801061 (VCV001801061.1), dbSNP rs2074762701, ClinGen allele CA406933046.